The following is an entry in ClinVar:

NM_020442.6(VARS2):c.1075-191T>C

Gene: VARS2 (valyl-tRNA synthetase 2, mitochondrial; plus strand). Cytogenetic location: 6p21.33.
Variant type: single nucleotide variant.
Coding change: c.1075-191T>C on transcript NM_020442.6 (MANE Select); 191 bases into the intron before coding-DNA position 1075, T replaced by C.
Molecular consequence: intron variant.
Genome position (GRCh38, 1-based): chr6:30,919,567, T>C. VCF-style: chr6-30919567-T-C. GRCh37 (hg19) VCF-style: chr6-30887344-T-C.
Other names: c.1165-191T>C (NM_001167734.2); c.655-191T>C (NM_001167733.3).
Identifiers: ClinVar variation 669594 (VCV000669594.1), dbSNP rs7738138, ClinGen allele CA12344764.
Genomic context (GRCh38, chr6:30,919,567, plus strand): 5'-ATGGCTGCTATTATATACCCTCTCCAGCTCTGCTGCAGTGGCATAATAGAGTAATTGTGC[T>C]GAGAATGAATTTGTCTCTAGGCCCAAAAGCCTAAAATATCTACATTCTGGCCCCTTAAGA-3'

ClinVar aggregate classification (germline): Benign (1 of 4 stars; one submission).

Allele frequency attached by ClinVar (database versions not stated): 1000 Genomes Project 30x 0.22064; 1000 Genomes Project 0.22264; TOPMed 0.26288; gnomAD 0.27866 and 0.27956; gnomAD exomes 0.33238.

Submission:

GeneDx
Classification: Benign. Last evaluated: 2018-06-14. Review status: criteria provided, single submitter. Criteria: GeneDx Variant Classification (06012015). Collection method: clinical testing. Allele origin: germline. Affected: yes.
Comment: This variant is considered likely benign or benign based on one or more of the following criteria: it is a conservative change, it occurs at a poorly conserved position in the protein, it is predicted to be benign by multiple in silico algorithms, and/or has population frequency not consistent with disease.